The following is an entry in ClinVar:

ClinVar aggregate classification (germline): Uncertain significance (1 of 4 stars; one submission).

Conditions:
Basal cell nevus syndrome 1 (BCNS1). Also called: MULTIPLE BASAL CELL NEVI, ODONTOGENIC KERATOCYSTS, AND SKELETAL ANOMALIES; GORLIN-GOLTZ SYNDROME. Identifiers: MedGen CN376810, MONDO:0958174, OMIM 109400.

Submission:

St. Jude Molecular Pathology, St. Jude Children's Research Hospital
Classification: Uncertain significance for Basal cell nevus syndrome 1. Last evaluated: 2026-10-01. Review status: criteria provided, single submitter. Criteria: St. Jude Assertion Criteria 2020. Collection method: clinical testing. Allele origin: germline.
Comment: The PTCH2 c.1507G>C p.(Val503Leu) missense change is absent in gnomAD v2.1.1. The in silico tool REVEL is inconclusive about a pathogenic o r benign effect of this variant on protein function, and to our knowledge functional studies have not been performed. To our knowledge, this variant has not been reported in individuals with nevoid basal cell carcinoma syndrome. In summary, the evidence currently available is insufficient to determine the clinical significance of this variant. It has therefore been classified as of uncertain significance.

NM_003738.5(PTCH2):c.1507G>C (p.Val503Leu)

Gene: PTCH2 (patched 2; minus strand). Cytogenetic location: 1p34.1.
Variant type: single nucleotide variant.
Coding change: c.1507G>C on transcript NM_003738.5 (MANE Select); coding-DNA position 1507, G replaced by C.
Protein change: p.Val503Leu; replaces valine 503 with leucine.
Molecular consequence: missense variant.
Genome position (GRCh38, 1-based): chr1:44,828,589, C>G on the plus strand (G>C on the coding strand, the complement: PTCH2 is on the minus strand). VCF-style: chr1-44828589-C-G. GRCh37 (hg19) VCF-style: chr1-45294261-C-G.
Other names: c.1507G>C, p.Val503Leu (NM_001166292.2); short protein forms V503L.
Identifiers: ClinVar variation 5038419 (VCV005038419.1).